The following is an entry in ClinVar:

ClinVar aggregate classification (germline): Conflicting classifications of pathogenicity. Review status: criteria provided, conflicting classifications (1 of 4 stars). 13 submissions from 12 submitters: Uncertain significance (1); Benign (5); Likely benign (5). 2 of the submissions do not count toward it. Last evaluated 2026-09-21.

Conditions:
Cardiovascular phenotype. Identifiers: MedGen CN230736.
Familial hypobetalipoproteinemia 1. Also called: Hypobetalipoproteinemia, normotriglyceridemic; Acanthocytosis with hypobetalipoproteinemia; APOB-Related Familial Hypobetalipoproteinemia. Identifiers: MedGen C4551990, MONDO:0014252, OMIM 615558.
Hypercholesterolemia, autosomal dominant, type B (FHCL2). Also called: Familial Hypercholesterolemia Type B; HYPERCHOLESTEROLEMIA, FAMILIAL, DUE TO LIGAND-DEFECTIVE APOLIPOPROTEIN B; APOLIPOPROTEIN B-100, FAMILIAL DEFECTIVE; APOLIPOPROTEIN B-100, FAMILIAL LIGAND-DEFECTIVE; Familial hypercholesterolemia 2; APOB-Related Familial Hypercholesterolemia, Autosomal Dominant. Identifiers: MedGen C1704417, MONDO:0007751, OMIM 144010.
Hypercholesterolemia, familial, 1. Also called: LDL RECEPTOR DISORDER; Hyperlipoproteinemia Type IIa; HYPER-LOW-DENSITY-LIPOPROTEINEMIA; HYPERCHOLESTEROLEMIC XANTHOMATOSIS, FAMILIAL; Fredrickson type IIa hyperlipoproteinemia; Hyperlipoproteinemia type 2. Identifiers: Orphanet 391665, MedGen C0745103, MONDO:0007750, OMIM 143890.
Familial hypercholesterolemia. Also called: Familial hypercholesterolemias; Familial hypercholesterolaemia. Identifiers: MedGen C0020445, MONDO:0005439.

Allele frequency attached by ClinVar (database versions not stated): ESP Exome Variant Server 0.00008; gnomAD 0.00073 and 0.00105; TOPMed 0.00105; 1000 Genomes Project 30x 0.00437; gnomAD exomes 0.00100 and 0.00205; ExAC 0.00193; 1000 Genomes Project 0.00459.
gnomAD v4.1: 1,608 of 1,613,978 alleles (0.1%); highest among the groups gnomAD compares: East Asian, 3.2%; 31 homozygotes.

Submissions (13):

Molecular Diagnostic Laboratory for Inherited Cardiovascular Disease, Montreal Heart Institute
Classification: Likely benign. Last evaluated: 2026-09-21. Review status: criteria provided, single submitter. Criteria: ACMG Guidelines, 2015. Collection method: clinical testing. Allele origin: germline. Affected: no.
Comment: BS1;BP7

Labcorp Genetics (formerly Invitae), Labcorp
Classification: Benign for Familial hypobetalipoproteinemia 1; Hypercholesterolemia, autosomal dominant, type B. Last evaluated: 2026-02-01. Review status: criteria provided, single submitter. Criteria: Invitae Variant Classification Sherloc (09022015). Collection method: clinical testing. Allele origin: germline.

ARUP Laboratories, Molecular Genetics and Genomics, ARUP Laboratories
Classification: Benign. Last evaluated: 2025-03-17. Review status: criteria provided, single submitter. Criteria: ARUP Molecular Germline Variant Investigation Process 2024. Collection method: clinical testing. Allele origin: germline.

Blueprint Genetics
Classification: Likely benign. Last evaluated: 2024-11-08. Review status: criteria provided, single submitter. Criteria: ACMG Guidelines, 2015. Collection method: clinical testing. Allele origin: germline.

GENinCode PLC
Classification: Benign for Familial hypercholesterolemia. Last evaluated: 2023-06-22. Review status: criteria provided, single submitter. Criteria: ACMG Guidelines, 2015. Collection method: clinical testing. Allele origin: germline.

Quest Diagnostics Nichols Institute San Juan Capistrano
Classification: Benign. Last evaluated: 2021-06-09. Review status: criteria provided, single submitter. Criteria: Quest Diagnostics criteria. Collection method: clinical testing. Allele origin: unknown.

Illumina Laboratory Services, Illumina
Classification: Uncertain significance for Familial hypobetalipoproteinemia 1. Last evaluated: 2018-01-13. Review status: criteria provided, single submitter. Criteria: ICSL Variant Classification Criteria 13 December 2019. Collection method: clinical testing. Allele origin: germline.

Illumina Laboratory Services, Illumina
Classification: Likely benign for Hypercholesterolemia, autosomal dominant, type B. Last evaluated: 2018-01-13. Review status: criteria provided, single submitter. Criteria: ICSL Variant Classification Criteria 13 December 2019. Collection method: clinical testing. Allele origin: germline.
Comment: This variant was observed in the ICSL laboratory as part of a predisposition screen in an ostensibly healthy population. It had not been previously curated by ICSL or reported in the Human Gene Mutation Database (HGMD: prior to June 1st, 2018), and was therefore a candidate for classification through an automated scoring system. Utilizing variant allele frequency, disease prevalence and penetrance estimates, and inheritance mode, an automated score was calculated to assess if this variant is too frequent to cause the disease. Based on the score and internal cut-off values, a variant classified as likely benign is not then subjected to further curation. The score for this variant resulted in a classification of likely benign for this disease.

Robarts Research Institute, Western University
Classification: Likely benign for Hypercholesterolemia, familial, 1. Last evaluated: 2018-01-02. Review status: criteria provided, single submitter. Criteria: ACMG Guidelines, 2015. Collection method: clinical testing. Allele origin: germline. Inheritance: Autosomal dominant inheritance. Affected: yes.

GeneDx
Classification: Likely benign. Last evaluated: 2017-10-02. Review status: criteria provided, single submitter. Criteria: GeneDx Variant Classification (06012015). Collection method: clinical testing. Allele origin: germline. Affected: yes.
Comment: This variant is considered likely benign or benign based on one or more of the following criteria: it is a conservative change, it occurs at a poorly conserved position in the protein, it is predicted to be benign by multiple in silico algorithms, and/or has population frequency not consistent with disease.

Ambry Genetics
Classification: Benign for Cardiovascular phenotype. Last evaluated: 2017-07-19. Review status: criteria provided, single submitter. Criteria: Ambry Variant Classification Scheme 2023. Collection method: clinical testing. Allele origin: germline.

Clinical Genetics DNA and cytogenetics Diagnostics Lab, Erasmus MC, Erasmus Medical Center
Classification: Benign. Review status: no assertion criteria provided. Collection method: clinical testing. Allele origin: germline. Affected: yes. Study: VKGL Data-share Consensus. Not counted in ClinVar's aggregate classification.

Clinical Genetics, Academic Medical Center
Classification: Benign. Review status: no assertion criteria provided. Collection method: clinical testing. Allele origin: germline. Affected: yes. Study: VKGL Data-share Consensus. Not counted in ClinVar's aggregate classification.

NM_000384.3(APOB):c.9477G>A (p.Lys3159=)

Gene: APOB (apolipoprotein B; minus strand). Cytogenetic location: 2p24.1.
Variant type: single nucleotide variant.
Coding change: c.9477G>A on transcript NM_000384.3 (MANE Select); coding-DNA position 9477, G replaced by A.
Protein change: p.Lys3159=; no amino-acid change (lysine 3159 retained).
Molecular consequence: synonymous variant.
Genome position (GRCh38, 1-based): chr2:21,007,391, C>T on the plus strand (G>A on the coding strand, the complement: APOB is on the minus strand). VCF-style: chr2-21007391-C-T. GRCh37 (hg19) VCF-style: chr2-21230263-C-T.
Identifiers: ClinVar variation 334113 (VCV000334113.30), dbSNP rs13306196, ClinGen allele CA066576.